The following is an entry in ClinVar:

NM_000195.5(HPS1):c.1632C>A (p.Phe544Leu)

Gene: HPS1 (HPS1 biogenesis of lysosomal organelles complex 3 subunit 1; minus strand). Cytogenetic location: 10q24.2.
Variant type: single nucleotide variant.
Coding change: c.1632C>A on transcript NM_000195.5 (MANE Select); coding-DNA position 1632, C replaced by A.
Protein change: p.Phe544Leu; replaces phenylalanine 544 with leucine.
Molecular consequence: missense variant.
Genome position (GRCh38, 1-based): chr10:98,422,480, G>T on the plus strand (C>A on the coding strand, the complement: HPS1 is on the minus strand). VCF-style: chr10-98422480-G-T. GRCh37 (hg19) VCF-style: chr10-100182237-G-T.
Other names: NM_000195.5(HPS1):c.1632C>A; p.Phe544Leu; c.660C>A, p.Phe220Leu (NM_001311345.2, NM_001322487.2, NM_001322489.2); c.1632C>A, p.Phe544Leu (NM_001322476.2, NM_001322477.2); c.1533C>A, p.Phe511Leu (NM_001322478.2, NM_001322479.2); c.1371C>A, p.Phe457Leu (NM_001322480.2, NM_001322481.2); c.1272C>A, p.Phe424Leu (NM_001322482.2); c.1263C>A, p.Phe421Leu (NM_001322483.2, NM_001322484.2); and 1 more; short protein forms F421L, F544L, F220L, F424L, F388L, F457L, F511L.
Identifiers: ClinVar variation 812729 (VCV000812729.3), dbSNP rs748106098, ClinGen allele CA5638938.

ClinVar aggregate classification (germline): Uncertain significance. Review status: criteria provided, single submitter (1 of 4 stars). 2 submissions from 2 submitters: Uncertain significance (1). 1 of the submissions does not count toward it. Last evaluated 2021-11-29.

Conditions:
Hermansky-Pudlak syndrome (HPS). Also called: ALBINISM WITH HEMORRHAGIC DIATHESIS AND PIGMENTED RETICULOENDOTHELIAL CELLS. Identifiers: Orphanet 79430, MedGen C0079504, MONDO:0019312.
Hermansky-Pudlak syndrome 1 (HPS1). Also called: DELTA STORAGE POOL DISEASE. Identifiers: Orphanet 231500, Orphanet 79430, MedGen C2931875, MONDO:0008748, OMIM 203300.

Allele frequency attached by ClinVar (database versions not stated): gnomAD exomes below 0.00001; ExAC 0.00001.
gnomAD v4.1: 1 of 1,614,100 alleles (0.000062%); highest among the groups gnomAD compares: Non-Finnish European, 0.000085%; no homozygotes.

Submissions (2):

Broad Center for Mendelian Genomics, Broad Institute of MIT and Harvard
Classification: Uncertain significance for Hermansky-Pudlak syndrome. Last evaluated: 2021-11-29. Review status: criteria provided, single submitter. Criteria: ACMG Guidelines, 2015. Collection method: curation. Allele origin: germline. Inheritance: Autosomal recessive inheritance.
Comment: The p.Phe544Leu variant in HPS1 has been reported in 1 individual, in the homozygous state, with Hermansky-Pudlak syndrome (PMID: 32581362) and has been identified in 0.0009% (1/113736) of European (non-Finnish) chromosomes by the Genome Aggregation Database (gnomAD; dbSNP ID: rs748106098). Although this variant has been seen in the general population in a heterozygous state, its frequency is low enough to be consistent with a recessive carrier frequency. This variant has also been reported in ClinVar (Variation ID#: 812729) and has been interpreted as likely pathogenic by NIHR Bioresource Rare Diseases (University of Cambridge). Computational prediction tools and conservation analyses do not provide strong support for or against an impact to the protein. In summary, the clinical significance of the p.Phe544Leu variant is uncertain. ACMG/AMP Criteria applied: PM3_supporting, PM2_supporting (Richards 2015).

NIHR Bioresource Rare Diseases, University of Cambridge
Classification: Likely pathogenic for Hermansky-Pudlak syndrome 1. Review status: no assertion criteria provided. Collection method: research. Allele origin: unknown. Affected: yes. Observed: 1 variant allele. Not counted in ClinVar's aggregate classification.

Literature cited by the submitters: PubMed 32581362 (cited by NIHR Bioresource Rare Diseases, University of Cambridge).